The following is an entry in ClinVar:

ClinVar aggregate classification (germline): Uncertain significance. Review status: criteria provided, multiple submitters, no conflicts (2 of 4 stars). 2 submissions from 2 submitters: Uncertain significance (2). Last evaluated 2025-04-19.

Conditions:
Inborn genetic diseases. Identifiers: MedGen C0950123, MeSH D030342.

Submissions (2):

Ambry Genetics
Classification: Uncertain significance for Inborn genetic diseases. Last evaluated: 2025-04-19. Review status: criteria provided, single submitter. Criteria: Ambry Variant Classification Scheme 2023. Collection method: clinical testing. Allele origin: germline.

GeneDx
Classification: Uncertain significance. Last evaluated: 2021-05-27. Review status: criteria provided, single submitter. Criteria: GeneDx Variant Classification Process June 2021. Collection method: clinical testing. Allele origin: germline. Affected: yes.
Comment: Not observed at significant frequency in large population cohorts (Lek et al., 2016); In silico analysis supports that this missense variant does not alter protein structure/function; Has not been previously published as pathogenic or benign to our knowledge

NM_001039591.3(USP9X):c.2617A>G (p.Thr873Ala)

Gene: USP9X (ubiquitin specific peptidase 9 X-linked; plus strand). Cytogenetic location: Xp11.4.
Variant type: single nucleotide variant.
Coding change: c.2617A>G on transcript NM_001039591.3 (MANE Select); coding-DNA position 2617, A replaced by G.
Protein change: p.Thr873Ala; replaces threonine 873 with alanine.
Molecular consequence: missense variant.
Genome position (GRCh38, 1-based): chrX:41,168,199, A>G. VCF-style: chrX-41168199-A-G. GRCh37 (hg19) VCF-style: chrX-41027452-A-G.
Other names: c.2617A>G, p.Thr873Ala (NM_001039590.3); short protein forms T873A.
Identifiers: ClinVar variation 1326777 (VCV001326777.3), dbSNP rs1166962088, ClinGen allele CA412757765.